The following is an entry in ClinVar:

NM_020944.3(GBA2):c.1688-13_1688-8delinsCTCTCC

Gene: GBA2 (glucosylceramidase beta 2; minus strand). Cytogenetic location: 9p13.3.
Variant type: Indel.
Coding change: c.1688-13_1688-8delinsCTCTCC on transcript NM_020944.3 (MANE Select); 13 bases into the intron before coding-DNA position 1688 through 8 bases into the intron before coding-DNA position 1688, GTCTCT replaced by CTCTCC.
Molecular consequence: intron variant.
Genome position (GRCh38, 1-based): chr9:35,739,117-35,739,122, AGAGAC replaced by GGAGAG on the plus strand (GTCTCT replaced by CTCTCC on the coding strand, the reverse complement: GBA2 is on the minus strand). VCF-style: chr9-35739117-AGAGAC-GGAGAG. GRCh37 (hg19) VCF-style: chr9-35739114-AGAGAC-GGAGAG.
Other names: c.1688-13_1688-8delinsCTCTCC (NM_001330660.2).
Identifiers: ClinVar variation 511755 (VCV000511755.4), dbSNP rs1554666152, ClinGen allele CA658797208.

ClinVar aggregate classification (germline): Likely benign (1 of 4 stars; one submission).

Submission:

GeneDx
Classification: Likely benign. Last evaluated: 2023-04-04. Review status: criteria provided, single submitter. Criteria: GeneDx Variant Classification Process June 2021. Collection method: clinical testing. Allele origin: germline. Affected: yes.
Comment: See Variant Classification Assertion Criteria.